The following is an entry in ClinVar:

NM_001042492.3(NF1):c.1372C>G (p.Pro458Ala)

Gene: NF1 (neurofibromin 1; plus strand). Cytogenetic location: 17q11.2.
Variant type: single nucleotide variant.
Coding change: c.1372C>G on transcript NM_001042492.3 (MANE Select); coding-DNA position 1372, C replaced by G.
Protein change: p.Pro458Ala; replaces proline 458 with alanine.
Molecular consequence: missense variant.
Genome position (GRCh38, 1-based): chr17:31,206,351, C>G. VCF-style: chr17-31206351-C-G. GRCh37 (hg19) VCF-style: chr17-29533369-C-G.
Other names: c.1372C>G, p.Pro458Ala (NM_000267.4, NM_001128147.3); short protein forms P458A.
Identifiers: ClinVar variation 649828 (VCV000649828.8), dbSNP rs1597688990, ClinGen allele CA398999796.

ClinVar aggregate classification (germline): Uncertain significance. Review status: criteria provided, multiple submitters, no conflicts (2 of 4 stars). 2 submissions from 2 submitters: Uncertain significance (2). Last evaluated 2022-08-23.

Conditions:
Neurofibromatosis, type 1 (NF1). Also called: VON RECKLINGHAUSEN DISEASE; Neurofibromatosis, type I; NEUROFIBROMATOSIS, TYPE I, SOMATIC; Peripheral type neurofibromatosis. Identifiers: Orphanet 636, MedGen C0027831, MONDO:0018975, OMIM 162200. Disease mechanism: loss of function.
Cardiovascular phenotype. Identifiers: MedGen CN230736.
Hereditary cancer-predisposing syndrome. Also called: Hereditary Cancer Syndrome; Tumor predisposition; Neoplastic Syndromes, Hereditary; Hereditary neoplastic syndrome. Identifiers: Orphanet 140162, MedGen C0027672, MeSH D009386, MONDO:0015356.

Allele frequency attached by ClinVar (database versions not stated): TOPMed below 0.00001.

Submissions (2):

Labcorp Genetics (formerly Invitae), Labcorp
Classification: Uncertain significance for Neurofibromatosis, type 1. Last evaluated: 2022-08-23. Review status: criteria provided, single submitter. Criteria: Invitae Variant Classification Sherloc (09022015). Collection method: clinical testing. Allele origin: germline.
Comment: In summary, the available evidence is currently insufficient to determine the role of this variant in disease. Therefore, it has been classified as a Variant of Uncertain Significance. Advanced modeling of protein sequence and biophysical properties (such as structural, functional, and spatial information, amino acid conservation, physicochemical variation, residue mobility, and thermodynamic stability) performed at Invitae indicates that this missense variant is not expected to disrupt NF1 protein function. ClinVar contains an entry for this variant (Variation ID: 649828). This variant has not been reported in the literature in individuals affected with NF1-related conditions. This variant is not present in population databases (gnomAD no frequency). This sequence change replaces proline, which is neutral and non-polar, with alanine, which is neutral and non-polar, at codon 458 of the NF1 protein (p.Pro458Ala).

Ambry Genetics
Classification: Uncertain significance for Cardiovascular phenotype; Hereditary cancer-predisposing syndrome. Last evaluated: 2021-02-15. Review status: criteria provided, single submitter. Criteria: Ambry Variant Classification Scheme 2023. Collection method: clinical testing. Allele origin: germline.
Comment: The p.P458A variant (also known as c.1372C>G), located in coding exon 12 of the NF1 gene, results from a C to G substitution at nucleotide position 1372. The proline at codon 458 is replaced by alanine, an amino acid with highly similar properties. This amino acid position is well conserved in available vertebrate species. In addition, this alteration is predicted to be tolerated by in silico analysis. Since supporting evidence is limited at this time, the clinical significance of this alteration remains unclear.